The following is an entry in ClinVar:

NM_020320.5(RARS2):c.127C>T (p.Gln43Ter)

Gene: RARS2 (arginyl-tRNA synthetase 2, mitochondrial; minus strand). Cytogenetic location: 6q15.
Variant type: single nucleotide variant.
Coding change: c.127C>T on transcript NM_020320.5 (MANE Select); coding-DNA position 127, C replaced by T.
Protein change: p.Gln43Ter; replaces glutamine 43 with a stop codon.
Molecular consequence: nonsense. On other transcripts: 5 prime UTR variant (7), non-coding transcript variant (23).
Genome position (GRCh38, 1-based): chr6:87,564,216, G>A on the plus strand (C>T on the coding strand, the complement: RARS2 is on the minus strand). VCF-style: chr6-87564216-G-A. GRCh37 (hg19) VCF-style: chr6-88273934-G-A.
Other names: c.127C>T (NM_020320.4); c.-343C>T (NM_001318785.2, NM_001350509.2); c.127C>T, p.Gln43Ter (NM_001350505.2); c.-399C>T (NM_001350506.2, NM_001350507.2, NM_001350510.2 and 1 more transcripts); c.-561C>T (NM_001350508.2); short protein forms Q43*.
Identifiers: ClinVar variation 2998519 (VCV002998519.4), dbSNP rs2484886631, ClinGen allele CA364941078.
Genomic context (GRCh38, chr6:87,564,216, plus strand): 5'-CTTGAATATCTGGTCTTGAATGGTCATTGTCTTTTTCCAATAAAGAATCCACAGAAAGCT[G>A]AAAATCAGCTACTTCTCTAAAGACAGACATCGAAACGAGATAGAACTGTTACCTTAAAAG-3'

ClinVar aggregate classification (germline): Pathogenic/Likely pathogenic. Review status: criteria provided, multiple submitters, no conflicts (2 of 4 stars). 2 submissions from 2 submitters: Pathogenic (1); Likely pathogenic (1). Last evaluated 2025-12-04.

Conditions:
Pontocerebellar hypoplasia type 6 (PCH6). Identifiers: Orphanet 166073, MedGen C1969084, MONDO:0012683, OMIM 611523.

Submissions (2):

Natera, Inc.
Classification: Likely pathogenic for Pontocerebellar hypoplasia, type 6. Last evaluated: 2025-12-04. Review status: criteria provided, single submitter. Criteria: Natera Variant Classification Schema (03/2026). Collection method: clinical testing. Allele origin: germline.
Comment: The c.127C>T variant in RARS2 is a nonsense variant predicted to introduce a stop codon at amino acid 43. This variant is expected to result in nonsense mediated decay, truncation, or a dysfunctional protein product. This variant is rare in the general population with a frequency below the threshold expected for the associated phenotype(s). Given the available evidence, this variant is classified as Likely Pathogenic.

Labcorp Genetics (formerly Invitae), Labcorp
Classification: Pathogenic. Last evaluated: 2023-02-24. Review status: criteria provided, single submitter. Criteria: Invitae Variant Classification Sherloc (09022015). Collection method: clinical testing. Allele origin: germline.
Comment: This sequence change creates a premature translational stop signal (p.Gln43*) in the RARS2 gene. It is expected to result in an absent or disrupted protein product. Loss-of-function variants in RARS2 are known to be pathogenic (PMID: 17847012, 22569581, 26083569). This variant is not present in population databases (gnomAD no frequency). This variant has not been reported in the literature in individuals affected with RARS2-related conditions. For these reasons, this variant has been classified as Pathogenic.

Literature cited by the submitters: PubMed 17847012 (cited by Labcorp Genetics (formerly Invitae), Labcorp); PubMed 22569581 (cited by Labcorp Genetics (formerly Invitae), Labcorp); PubMed 26083569 (cited by Labcorp Genetics (formerly Invitae), Labcorp).